The following is an entry in ClinVar:

NM_014000.3(VCL):c.2373C>G (p.Ser791Arg)

Gene: VCL (vinculin; plus strand). Cytogenetic location: 10q22.2.
Variant type: single nucleotide variant.
Coding change: c.2373C>G on transcript NM_014000.3 (MANE Select); coding-DNA position 2373, C replaced by G.
Protein change: p.Ser791Arg; replaces serine 791 with arginine.
Molecular consequence: missense variant.
Genome position (GRCh38, 1-based): chr10:74,105,292, C>G. VCF-style: chr10-74105292-C-G. GRCh37 (hg19) VCF-style: chr10-75865050-C-G.
Other names: c.2373C>G, p.Ser791Arg (NM_003373.4); short protein forms S791R.
Identifiers: ClinVar variation 1942092 (VCV001942092.5), dbSNP rs2549232260, ClinGen allele CA377262723.

ClinVar aggregate classification (germline): Uncertain significance (1 of 4 stars; one submission).

Conditions:
Dilated cardiomyopathy 1W (CMD1W). Identifiers: Orphanet 154, MedGen C1969639, MONDO:0012667, OMIM 611407.

Submission:

Labcorp Genetics (formerly Invitae), Labcorp
Classification: Uncertain significance for Dilated cardiomyopathy 1W. Last evaluated: 2025-05-14. Review status: criteria provided, single submitter. Criteria: Invitae Variant Classification Sherloc (09022015). Collection method: clinical testing. Allele origin: germline.
Comment: This sequence change replaces serine, which is neutral and polar, with arginine, which is basic and polar, at codon 791 of the VCL protein (p.Ser791Arg). This variant is not present in population databases (gnomAD no frequency). This variant has not been reported in the literature in individuals affected with VCL-related conditions. ClinVar contains an entry for this variant (Variation ID: 1942092). An algorithm developed to predict the effect of missense changes on protein structure and function (PolyPhen-2) suggests that this variant is likely to be disruptive. In summary, the available evidence is currently insufficient to determine the role of this variant in disease. Therefore, it has been classified as a Variant of Uncertain Significance.